The following is an entry in ClinVar:

ClinVar aggregate classification (germline): Uncertain significance (1 of 4 stars; one submission).

Conditions:
Generalized epilepsy with febrile seizures plus, type 7 (GEFSP7). Also called: GEFS+, TYPE 7. Identifiers: Orphanet 36387, MedGen C2751778, MONDO:0013470, OMIM 613863.
Neuropathy, hereditary sensory and autonomic, type 2A (HSAN2A). Also called: MORVAN DISEASE; NEUROPATHY, CONGENITAL SENSORY; NEUROPATHY, HEREDITARY SENSORY RADICULAR, AUTOSOMAL RECESSIVE; NEUROPATHY, HEREDITARY SENSORY, TYPE IIA; NEUROPATHY, PROGRESSIVE SENSORY, OF CHILDREN; HSAN IIA. Identifiers: Orphanet 970, MedGen C2752089, MONDO:0024309, OMIM 201300.

gnomAD v4.1: 1 of 1,613,502 alleles (0.000062%); highest among the groups gnomAD compares: African/African-American, 0.0013%; no homozygotes.

Submission:

Labcorp Genetics (formerly Invitae), Labcorp
Classification: Uncertain significance for Neuropathy, hereditary sensory and autonomic, type 2A; Generalized epilepsy with febrile seizures plus, type 7. Last evaluated: 2024-04-08. Review status: criteria provided, single submitter. Criteria: Invitae Variant Classification Sherloc (09022015). Collection method: clinical testing. Allele origin: germline.
Comment: This sequence change replaces leucine, which is neutral and non-polar, with phenylalanine, which is neutral and non-polar, at codon 1315 of the SCN9A protein (p.Leu1315Phe). This variant is present in population databases (no rsID available, gnomAD 0.01%). This variant has not been reported in the literature in individuals affected with SCN9A-related conditions. Advanced modeling of protein sequence and biophysical properties (such as structural, functional, and spatial information, amino acid conservation, physicochemical variation, residue mobility, and thermodynamic stability) performed at Invitae indicates that this missense variant is not expected to disrupt SCN9A protein function with a negative predictive value of 80%. In summary, the available evidence is currently insufficient to determine the role of this variant in disease. Therefore, it has been classified as a Variant of Uncertain Significance.

NM_001365536.1(SCN9A):c.3976C>T (p.Leu1326Phe)

Genes: SCN9A (sodium voltage-gated channel alpha subunit 9; minus strand), SCN1A-AS1 (SCN1A and SCN9A antisense RNA 1; plus strand). Cytogenetic location: 2q24.3.
Variant type: single nucleotide variant.
Coding change: c.3976C>T on transcript NM_001365536.1 (MANE Select); coding-DNA position 3976, C replaced by T.
Protein change: p.Leu1326Phe; replaces leucine 1326 with phenylalanine.
Molecular consequence: missense variant.
Genome position (GRCh38, 1-based): chr2:166,228,921, G>A on the plus strand (C>T on the coding strand, the complement: SCN9A is on the minus strand). VCF-style: chr2-166228921-G-A. GRCh37 (hg19) VCF-style: chr2-167085431-G-A.
Other names: c.3943C>T, p.Leu1315Phe (NM_002977.4); short protein forms L1315F, L1326F.
Identifiers: ClinVar variation 3748914 (VCV003748914.2).
Genomic context (GRCh38, chr2:166,228,921, plus strand): 5'-TGCCAGCAAACAAATTTACTCCCATGATGCTGAATATCAGCCAGAATATAAGACACACAA[G>A]TAGCACATTCATGATGGAAGGAATTGCTCCTATGAGTGCATTCACAACGACCTAGTATTC-3'
Protein context (NP_001352465.1, residues 1316-1336): GAIPSIMNVL[Leu1326Phe]VCLIFWLIFS